The following is an entry in ClinVar:

ClinVar aggregate classification (germline): Uncertain significance (1 of 4 stars; one submission).

Conditions:
Cardiovascular phenotype. Identifiers: MedGen CN230736.

Submission:

Ambry Genetics
Classification: Uncertain significance for Cardiovascular phenotype. Last evaluated: 2021-07-07. Review status: criteria provided, single submitter. Criteria: Ambry Variant Classification Scheme 2023. Collection method: clinical testing. Allele origin: germline.
Comment: The p.G607R variant (also known as c.1819G>A), located in coding exon 12 of the NEXN gene, results from a G to A substitution at nucleotide position 1819. The glycine at codon 607 is replaced by arginine, an amino acid with dissimilar properties. This amino acid position is conserved. In addition, this alteration is predicted to be deleterious by in silico analysis. Since supporting evidence is limited at this time, the clinical significance of this alteration remains unclear.

NM_144573.4(NEXN):c.1819G>A (p.Gly607Arg)

Gene: NEXN (nexilin F-actin binding protein; plus strand). Cytogenetic location: 1p31.1.
Variant type: single nucleotide variant.
Coding change: c.1819G>A on transcript NM_144573.4 (MANE Select); coding-DNA position 1819, G replaced by A.
Protein change: p.Gly607Arg; replaces glycine 607 with arginine.
Molecular consequence: missense variant.
Genome position (GRCh38, 1-based): chr1:77,942,620, G>A. VCF-style: chr1-77942620-G-A. GRCh37 (hg19) VCF-style: chr1-78408305-G-A.
Other names: c.1627G>A, p.Gly543Arg (NM_001172309.2); short protein forms G607R, G543R.
Identifiers: ClinVar variation 1780723 (VCV001780723.2), dbSNP rs766636549, ClinGen allele CA340882812.
Genomic context (GRCh38, chr1:77,942,620, plus strand): 5'-CCTCTTAAAAACACATCAGTTGTAGACAGTGAGCCAGTCAGATTTACGGTTAAAGTAACA[G>A]GAGAACCCAAACCAGAAATTACATGGTGGTTTGAAGGAGAAATACTGCAGGATGGAGAAG-3'
Protein context (NP_653174.3, residues 597-617): EPVRFTVKVT[Gly607Arg]EPKPEITWWF